The following is an entry in ClinVar:

ClinVar aggregate classification (germline): Conflicting classifications of pathogenicity. Review status: criteria provided, conflicting classifications (1 of 4 stars). 9 submissions from 9 submitters: Uncertain significance (5); Likely benign (2). 2 of the submissions do not count toward it. Last evaluated 2025-11-10.

Conditions:
Hereditary cancer-predisposing syndrome. Also called: Hereditary Cancer Syndrome; Neoplastic Syndromes, Hereditary; Hereditary neoplastic syndrome; Tumor predisposition. Identifiers: Orphanet 140162, MedGen C0027672, MeSH D009386, MONDO:0015356.
Breast-ovarian cancer, familial, susceptibility to, 1 (BROVCA1). Also called: BRCA1 Hereditary Breast and Ovarian Cancer; OVARIAN CANCER, SUSCEPTIBILITY TO. Identifiers: Orphanet 145, MedGen C2676676, MONDO:0011450, OMIM 604370. Disease mechanism: loss of function.
Hereditary breast ovarian cancer syndrome. Also called: Hereditary breast and/or ovarian cancer syndrome; Hereditary breast and ovarian cancer syndrome; Hereditary breast and ovarian cancer; Hereditary breast and ovarian cancer syndrome (HBOC); Breast and ovarian cancer; BRCA1- and BRCA2-Associated Hereditary Breast and Ovarian Cancer. Identifiers: Orphanet 145, MedGen C0677776, MeSH D061325, MONDO:0003582. Disease mechanism: loss of function.
Fanconi anemia, complementation group S (FANCS). Identifiers: MedGen C4554406, MONDO:0054748, OMIM 617883.

Allele frequency attached by ClinVar (database versions not stated): gnomAD exomes below 0.00001.

Submissions (9):

Ambry Genetics
Classification: Uncertain significance for Hereditary cancer-predisposing syndrome. Last evaluated: 2025-11-10. Review status: criteria provided, single submitter. Criteria: Ambry Variant Classification Scheme 2023. Collection method: clinical testing. Allele origin: germline.
Comment: The p.D232V variant (also known as c.695A>T), located in coding exon 9 of the BRCA1 gene, results from an A to T substitution at nucleotide position 695. The aspartic acid at codon 232 is replaced by valine, an amino acid with highly dissimilar properties. This amino acid position is not well conserved in available vertebrate species. In addition, this alteration is predicted to be deleterious by in silico analysis. Since supporting evidence is limited at this time, the clinical significance of this alteration remains unclear.

Labcorp Genetics (formerly Invitae), Labcorp
Classification: Uncertain significance for Hereditary breast ovarian cancer syndrome. Last evaluated: 2025-03-27. Review status: criteria provided, single submitter. Criteria: Invitae Variant Classification Sherloc (09022015). Collection method: clinical testing. Allele origin: germline.
Comment: This sequence change replaces aspartic acid, which is acidic and polar, with valine, which is neutral and non-polar, at codon 232 of the BRCA1 protein (p.Asp232Val). This variant is not present in population databases (gnomAD no frequency). This variant has not been reported in the literature in individuals affected with BRCA1-related conditions. ClinVar contains an entry for this variant (Variation ID: 91664). Invitae Evidence Modeling of protein sequence and biophysical properties (such as structural, functional, and spatial information, amino acid conservation, physicochemical variation, residue mobility, and thermodynamic stability) has been performed for this missense variant. However, the output from this modeling did not meet the statistical confidence thresholds required to predict the impact of this variant on BRCA1 protein function. In summary, the available evidence is currently insufficient to determine the role of this variant in disease. Therefore, it has been classified as a Variant of Uncertain Significance.

Center for Genomic Medicine, Rigshospitalet, Copenhagen University Hospital
Classification: Likely benign. Last evaluated: 2025-03-04. Review status: criteria provided, single submitter. Criteria: ACMG Guidelines, 2015. Collection method: clinical testing. Allele origin: germline.

University of Washington Department of Laboratory Medicine, University of Washington
Classification: Likely benign for Hereditary cancer-predisposing syndrome. Last evaluated: 2023-03-23. Review status: criteria provided, single submitter. Criteria: Dines et al. (Genet Med. 2020). Collection method: curation. Allele origin: germline.
Comment: Missense variant in a coldspot region where missense variants are very unlikely to be pathogenic (PMID:31911673).

BRCA1 coldspot (exon 11 using historical exon numbering). Reclassification based on statistical prior probability

Department of Pathology and Laboratory Medicine, Sinai Health System
Classification: Uncertain significance for Fanconi anemia, complementation group S. Last evaluated: 2022-08-24. Review status: criteria provided, single submitter. Criteria: ACMG Guidelines, 2015. Collection method: clinical testing. Allele origin: germline. Affected: no.

Quest Diagnostics Nichols Institute San Juan Capistrano
Classification: Uncertain significance. Last evaluated: 2020-12-23. Review status: criteria provided, single submitter. Criteria: Quest Diagnostics criteria. Collection method: clinical testing. Allele origin: unknown.

Color Diagnostics, LLC DBA Color Health
Classification: Uncertain significance for Hereditary cancer-predisposing syndrome. Last evaluated: 2020-01-17. Review status: criteria provided, single submitter. Criteria: ACMG Guidelines, 2015. Collection method: clinical testing. Allele origin: germline.
Comment: This missense variant replaces aspartic acid with valine at codon 232 of the BRCA1 protein. Computational prediction tool is inconclusive regarding the impact of this variant on protein structure and function (internally defined REVEL score threshold 0.5 < inconclusive < 0.7, PMID: 27666373). Splice site prediction tools suggest that this variant may not impact RNA splicing. To our knowledge, functional studies have not been performed for this variant. This variant has not been reported in individuals affected with hereditary cancer in the literature. This variant has not been identified in the general population by the Genome Aggregation Database (gnomAD). The available evidence is insufficient to determine the role of this variant in disease conclusively. Therefore, this variant is classified as a Variant of Uncertain Significance.

Counsyl
Classification: Uncertain significance for Breast-ovarian cancer, familial, susceptibility to, 1. Last evaluated: 2017-10-05. Review status: no assertion criteria provided. Collection method: clinical testing. Allele origin: unknown. Not counted in ClinVar's aggregate classification.

Sharing Clinical Reports Project (SCRP)
Classification: Uncertain significance for Breast-ovarian cancer, familial 1. Last evaluated: 2011-07-18. Review status: no assertion criteria provided. Collection method: clinical testing. Allele origin: germline. Not counted in ClinVar's aggregate classification.

NM_007294.4(BRCA1):c.695A>T (p.Asp232Val)

Gene: BRCA1 (BRCA1 DNA repair associated; minus strand). Cytogenetic location: 17q21.31.
Variant type: single nucleotide variant.
Coding change: c.695A>T on transcript NM_007294.4 (MANE Select); coding-DNA position 695, A replaced by T.
Protein change: p.Asp232Val; replaces aspartic acid 232 with valine.
Molecular consequence: missense variant. On other transcripts: non-coding transcript variant (1).
Genome position (GRCh38, 1-based): chr17:43,094,836, T>A on the plus strand (A>T on the coding strand, the complement: BRCA1 is on the minus strand). VCF-style: chr17-43094836-T-A. GRCh37 (hg19) VCF-style: chr17-41246853-T-A.
Other names: 814A>T; c.695A>T, p.Asp232Val (NM_001407616.1, NM_001407617.1, NM_001407618.1 and 54 more transcripts); c.692A>T, p.Asp231Val (NM_001407627.1, NM_001407628.1, NM_001407629.1 and 38 more transcripts); c.686A>T, p.Asp229Val (NM_001407646.1, NM_001407647.1, NM_001408408.1); c.572A>T, p.Asp191Val (NM_001407648.1, NM_001407664.1, NM_001407665.1 and 34 more transcripts); c.569A>T, p.Asp190Val (NM_001407649.1, NM_001407670.1, NM_001407671.1 and 20 more transcripts); c.617A>T, p.Asp206Val (NM_001407653.1, NM_001407654.1, NM_001407655.1 and 9 more transcripts); c.614A>T, p.Asp205Val (NM_001407659.1, NM_001407660.1, NM_001407661.1 and 3 more transcripts); and 15 more; short protein forms D232V, D185V, D104V, D121V, D143V, D162V, D190V, D206V.
Identifiers: ClinVar variation 91664 (VCV000091664.26), dbSNP rs398122708, ClinGen allele CA003820.